The following is an entry in ClinVar:

ClinVar aggregate classification (germline): Uncertain significance. Review status: criteria provided, multiple submitters, no conflicts (2 of 4 stars). 3 submissions from 3 submitters: Uncertain significance (3). Last evaluated 2025-04-17.

Conditions:
Multiple endocrine neoplasia type 4. Also called: MULTIPLE ENDOCRINE NEOPLASIA, TYPE IV. Identifiers: Orphanet 276152, MedGen C1970712, MONDO:0012552, OMIM 610755.
Hereditary cancer-predisposing syndrome. Also called: Hereditary neoplastic syndrome; Tumor predisposition; Neoplastic Syndromes, Hereditary; Hereditary Cancer Syndrome. Identifiers: Orphanet 140162, MedGen C0027672, MeSH D009386, MONDO:0015356.

Submissions (3):

Ambry Genetics
Classification: Uncertain significance for Hereditary cancer-predisposing syndrome. Last evaluated: 2025-04-17. Review status: criteria provided, single submitter. Criteria: Ambry Variant Classification Scheme 2023. Collection method: clinical testing. Allele origin: germline.
Comment: The p.A116T variant (also known as c.346G>A), located in coding exon 1 of the CDKN1B gene, results from a G to A substitution at nucleotide position 346. The alanine at codon 116 is replaced by threonine, an amino acid with similar properties. This amino acid position is conserved. In addition, this alteration is predicted to be tolerated by in silico analysis. Based on the available evidence, the clinical significance of this variant remains unclear.

GeneDx
Classification: Uncertain significance. Last evaluated: 2024-10-16. Review status: criteria provided, single submitter. Criteria: GeneDx Variant Classification Process June 2021. Collection method: clinical testing. Allele origin: germline. Affected: yes.
Comment: Not observed at significant frequency in large population cohorts (gnomAD); In silico analysis indicates that this missense variant does not alter protein structure/function; Has not been previously published as pathogenic or benign to our knowledge

Labcorp Genetics (formerly Invitae), Labcorp
Classification: Uncertain significance for Multiple endocrine neoplasia type 4. Last evaluated: 2021-05-07. Review status: criteria provided, single submitter. Criteria: Invitae Variant Classification Sherloc (09022015). Collection method: clinical testing. Allele origin: germline.
Comment: In summary, the available evidence is currently insufficient to determine the role of this variant in disease. Therefore, it has been classified as a Variant of Uncertain Significance. Algorithms developed to predict the effect of missense changes on protein structure and function (SIFT, PolyPhen-2, Align-GVGD) all suggest that this variant is likely to be tolerated, but these predictions have not been confirmed by published functional studies and their clinical significance is uncertain. This variant has not been reported in the literature in individuals with CDKN1B-related conditions. This variant is not present in population databases (ExAC no frequency). This sequence change replaces alanine with threonine at codon 116 of the CDKN1B protein (p.Ala116Thr). The alanine residue is moderately conserved and there is a small physicochemical difference between alanine and threonine.

NM_004064.5(CDKN1B):c.346G>A (p.Ala116Thr)

Gene: CDKN1B (cyclin dependent kinase inhibitor 1B; plus strand). Cytogenetic location: 12p13.1.
Variant type: single nucleotide variant.
Coding change: c.346G>A on transcript NM_004064.5 (MANE Select); coding-DNA position 346, G replaced by A.
Protein change: p.Ala116Thr; replaces alanine 116 with threonine.
Molecular consequence: missense variant.
Genome position (GRCh38, 1-based): chr12:12,718,185, G>A. VCF-style: chr12-12718185-G-A. GRCh37 (hg19) VCF-style: chr12-12871119-G-A.
Other names: c.346G>A (NM_004064.3, NM_004064.4); short protein forms A116T.
Identifiers: ClinVar variation 1472479 (VCV001472479.10), dbSNP rs2136356224, ClinGen allele CA383970322.